The following is an entry in ClinVar:

NM_000277.3(PAH):c.886G>A (p.Asp296Asn)

Genes: PAH (phenylalanine hydroxylase; minus strand), LOC126861615 (CDK7 strongly-dependent group 2 enhancer GRCh37_chr12:103244689-103245888; plus strand). Cytogenetic location: 12q23.2.
Variant type: single nucleotide variant.
Coding change: c.886G>A on transcript NM_000277.3 (MANE Select); coding-DNA position 886, G replaced by A.
Protein change: p.Asp296Asn; replaces aspartic acid 296 with asparagine.
Molecular consequence: missense variant.
Genome position (GRCh38, 1-based): chr12:102,851,713, C>T on the plus strand (G>A on the coding strand, the complement: PAH is on the minus strand). VCF-style: chr12-102851713-C-T. GRCh37 (hg19) VCF-style: chr12-103245491-C-T.
Other names: c.886G>A, p.Asp296Asn (NM_001354304.2); short protein forms D296N.
Identifiers: ClinVar variation 1493384 (VCV001493384.3), dbSNP rs765934604, ClinGen allele CA6748811.
Genomic context (GRCh38, chr12:102,851,713, plus strand): 5'-CTATAACTAGAAGGCTAAAAAATCCATTCCTTACCTGGGAAAACTGGGCAAAGCTGCGAT[C>T]TGAAAACAAGGGCACATGTCCCAACAGCTCATGGCAGATGTCACTGAAAGACAGAAAGCA-3'
Protein context (NP_000268.1, residues 286-306): ELLGHVPLFS[Asp296Asn]RSFAQFSQEI

ClinVar aggregate classification (germline): Likely pathogenic (1 of 4 stars; one submission).

Conditions:
Phenylketonuria (PKU). Also called: OLIGOPHRENIA PHENYLPYRUVICA; Phenylketonurias; Phenylketonuria (PKU); FOLLING DISEASE. Identifiers: Orphanet 716, MedGen C0031485, MONDO:0009861, OMIM 261600. Disease mechanism: loss of function.

Allele frequency attached by ClinVar (database versions not stated): gnomAD exomes 0.00001; gnomAD 0.00003; ExAC 0.00001.
gnomAD v4.1: 17 of 1,613,926 alleles (0.0011%); highest among the groups gnomAD compares: Non-Finnish European, 0.0014%; no homozygotes.

Submission:

Labcorp Genetics (formerly Invitae), Labcorp
Classification: Likely pathogenic for Phenylketonuria. Last evaluated: 2022-08-20. Review status: criteria provided, single submitter. Criteria: Invitae Variant Classification Sherloc (09022015). Collection method: clinical testing. Allele origin: germline.
Comment: This sequence change replaces aspartic acid, which is acidic and polar, with asparagine, which is neutral and polar, at codon 296 of the PAH protein (p.Asp296Asn). This variant is present in population databases (rs765934604, gnomAD 0.006%). This missense change has been observed in individual(s) with phenylketonuria (PMID: 33101986). ClinVar contains an entry for this variant (Variation ID: 1493384). Advanced modeling of protein sequence and biophysical properties (such as structural, functional, and spatial information, amino acid conservation, physicochemical variation, residue mobility, and thermodynamic stability) performed at Invitae indicates that this missense variant is expected to disrupt PAH protein function. This variant disrupts the p.Asp296 amino acid residue in PAH. Other variant(s) that disrupt this residue have been determined to be pathogenic (PMID: 26666653, 31355225; Invitae). This suggests that this residue is clinically significant, and that variants that disrupt this residue are likely to be disease-causing. In summary, the currently available evidence indicates that the variant is pathogenic, but additional data are needed to prove that conclusively. Therefore, this variant has been classified as Likely Pathogenic.

Literature cited by the submitters: PubMed 33101986; PubMed 26666653; PubMed 31355225.